The following is an entry in ClinVar:

ClinVar aggregate classification (germline): Pathogenic (1 of 4 stars; one submission).

Submission:

Labcorp Genetics (formerly Invitae), Labcorp
Classification: Pathogenic. Last evaluated: 2025-03-24. Review status: criteria provided, single submitter. Criteria: Invitae Variant Classification Sherloc (09022015). Collection method: clinical testing. Allele origin: germline.
Comment: This sequence change creates a premature translational stop signal (p.Arg374Glufs*25) in the SKIV2L gene. It is expected to result in an absent or disrupted protein product. Loss-of-function variants in SKIV2L are known to be pathogenic (PMID: 22444670). This variant is not present in population databases (gnomAD no frequency). This variant has not been reported in the literature in individuals affected with SKIV2L-related conditions. ClinVar contains an entry for this variant (Variation ID: 2699811). For these reasons, this variant has been classified as Pathogenic.

Literature cited by the submitters: PubMed 22444670.

NM_006929.5(SKIC2):c.1120del (p.Arg374fs)

Genes: SKIC2 (SKI2 subunit of superkiller complex; plus strand), LOC126859653 (CDK7 strongly-dependent group 2 enhancer GRCh37_chr6:31929542-31930741; plus strand). Cytogenetic location: 6p21.33.
Variant type: Deletion.
Coding change: c.1120del on transcript NM_006929.5 (MANE Select); coding-DNA position 1120, one base deleted (C; older notation c.1120delC).
Protein change: p.Arg374fs; shifts the reading frame from arginine 374.
Molecular consequence: frameshift variant.
Genome position (GRCh38, 1-based): chr6:31,962,494, C deleted; the last of 2 consecutive C bases (chr6:31,962,493-31,962,494); deleting either gives the same sequence. VCF-style (leftmost placement, unchanged base first): chr6-31962492-TC-T. GRCh37 (hg19) VCF-style: chr6-31930269-TC-T.
Other names: short protein forms R374fs.
Identifiers: ClinVar variation 2699811 (VCV002699811.3), dbSNP rs2482921524, ClinGen allele CA2697546672.